The following is an entry in ClinVar:

ClinVar aggregate classification (germline): Uncertain significance (1 of 4 stars; one submission).

Allele frequency attached by ClinVar (database versions not stated): ExAC 0.00002; TOPMed 0.00003; gnomAD exomes 0.00004 and 0.00007; gnomAD 0.00006 and 0.00007; ESP Exome Variant Server 0.00008.
gnomAD v4.1: 116 of 1,613,836 alleles (0.0072%); highest among the groups gnomAD compares: Non-Finnish European, 0.0092%; no homozygotes.

Submission:

Labcorp Genetics (formerly Invitae), Labcorp
Classification: Uncertain significance. Last evaluated: 2022-06-09. Review status: criteria provided, single submitter. Criteria: Invitae Variant Classification Sherloc (09022015). Collection method: clinical testing. Allele origin: germline.
Comment: Algorithms developed to predict the effect of missense changes on protein structure and function are either unavailable or do not agree on the potential impact of this missense change (SIFT: "Deleterious"; PolyPhen-2: "Possibly Damaging"; Align-GVGD: "Class C15"). Algorithms developed to predict the effect of sequence changes on RNA splicing suggest that this variant may disrupt the consensus splice site. This sequence change replaces arginine, which is basic and polar, with cysteine, which is neutral and slightly polar, at codon 1401 of the C5 protein (p.Arg1401Cys). This variant is present in population databases (rs145968939, gnomAD 0.009%). This variant has not been reported in the literature in individuals affected with C5-related conditions. In summary, the available evidence is currently insufficient to determine the role of this variant in disease. Therefore, it has been classified as a Variant of Uncertain Significance.

NM_001735.3(C5):c.4201C>T (p.Arg1401Cys)

Gene: C5 (complement C5; minus strand). Cytogenetic location: 9q33.2.
Variant type: single nucleotide variant.
Coding change: c.4201C>T on transcript NM_001735.3 (MANE Select); coding-DNA position 4201, C replaced by T.
Protein change: p.Arg1401Cys; replaces arginine 1401 with cysteine.
Molecular consequence: missense variant.
Genome position (GRCh38, 1-based): chr9:120,969,080, G>A on the plus strand (C>T on the coding strand, the complement: C5 is on the minus strand). VCF-style: chr9-120969080-G-A. GRCh37 (hg19) VCF-style: chr9-123731358-G-A.
Other names: c.4219C>T, p.Arg1407Cys (NM_001317163.2); short protein forms R1407C, R1401C.
Identifiers: ClinVar variation 1411319 (VCV001411319.6), dbSNP rs145968939, ClinGen allele CA5217254.
Genomic context (GRCh38, chr9:120,969,080, plus strand): 5'-GAACTTGGAGTCTATGCTCCCCTTTGTGGAAATAGGCTCACCTGGCACATGCTACTATGC[G>A]TTTGTAATCAGAGTTTCCGTAGCCTCTGTAGTGGGATGCTGGCACATAAGACAAGAAAAC-3'
Protein context (NP_001726.2, residues 1391-1411): YRGYGNSDYK[Arg1401Cys]IVACASYKPS